The following is an entry in ClinVar:

NM_031889.3(ENAM):c.2749A>C (p.Lys917Gln)

Gene: ENAM (enamelin; plus strand). Cytogenetic location: 4q13.3.
Variant type: single nucleotide variant.
Coding change: c.2749A>C on transcript NM_031889.3 (MANE Select); coding-DNA position 2749, A replaced by C.
Protein change: p.Lys917Gln; replaces lysine 917 with glutamine.
Molecular consequence: missense variant.
Genome position (GRCh38, 1-based): chr4:70,644,175, A>C. VCF-style: chr4-70644175-A-C. GRCh37 (hg19) VCF-style: chr4-71509892-A-C.
Other names: c.2095A>C, p.Lys699Gln (NM_001368133.1); short protein forms K917Q, K699Q.
Identifiers: ClinVar variation 349505 (VCV000349505.12), dbSNP rs886059584, ClinGen allele CA10621603.

ClinVar aggregate classification (germline): Uncertain significance. Review status: criteria provided, multiple submitters, no conflicts (2 of 4 stars). 2 submissions from 2 submitters: Uncertain significance (2). Last evaluated 2020-11-05.

Conditions:
Amelogenesis imperfecta (AI). Also called: Congenital enamel hypoplasia. Identifiers: Orphanet 88661, MedGen C0002452, MONDO:0019507, HP:0000705.

Allele frequency attached by ClinVar (database versions not stated): gnomAD exomes below 0.00001.
gnomAD v4.1: 6 of 1,614,118 alleles (0.00037%); highest among the groups gnomAD compares: Non-Finnish European, 0.00051%; no homozygotes.

Submissions (2):

Labcorp Genetics (formerly Invitae), Labcorp
Classification: Uncertain significance. Last evaluated: 2020-11-05. Review status: criteria provided, single submitter. Criteria: Invitae Variant Classification Sherloc (09022015). Collection method: clinical testing. Allele origin: germline.
Comment: In summary, the available evidence is currently insufficient to determine the role of this variant in disease. Therefore, it has been classified as a Variant of Uncertain Significance. Algorithms developed to predict the effect of missense changes on protein structure and function (SIFT, PolyPhen-2, Align-GVGD) all suggest that this variant is likely to be tolerated, but these predictions have not been confirmed by published functional studies and their clinical significance is uncertain. This variant has not been reported in the literature in individuals with ENAM-related conditions. ClinVar contains an entry for this variant (Variation ID: 349505). This variant is not present in population databases (ExAC no frequency). This sequence change replaces lysine with glutamine at codon 917 of the ENAM protein (p.Lys917Gln). The lysine residue is moderately conserved and there is a small physicochemical difference between lysine and glutamine.

Illumina Laboratory Services, Illumina
Classification: Uncertain significance for Amelogenesis imperfecta. Last evaluated: 2018-01-12. Review status: criteria provided, single submitter. Criteria: ICSL Variant Classification Criteria 13 December 2019. Collection method: clinical testing. Allele origin: germline.